The following is an entry in ClinVar:

ClinVar aggregate classification (germline): Uncertain significance (1 of 4 stars; one submission).

Conditions:
Cutis laxa, autosomal recessive, type 1B (ARCL1B). Also called: EFEMP2-Related Cutis Laxa; CUTIS LAXA, AUTOSOMAL RECESSIVE, TYPE IB. Identifiers: Orphanet 90349, MedGen C3280798, MONDO:0013754, OMIM 614437. Disease mechanism: loss of function.

Submission:

Labcorp Genetics (formerly Invitae), Labcorp
Classification: Uncertain significance for Autosomal recessive cutis laxa type 1B. Last evaluated: 2018-12-11. Review status: criteria provided, single submitter. Criteria: Invitae Variant Classification Sherloc (09022015). Collection method: clinical testing. Allele origin: germline.
Comment: This variant results in a copy number gain of the genomic region encompassing the full coding sequence of the EFEMP2 gene. The boundaries of this event are unknown as they extend beyond the assayed region for this gene and therefore may encompass additional genes. As the precise location of this event is unknown, it may be in tandem or it may be located elsewhere in the genome. This variant has not been reported in the literature in individuals with EFEMP2-related conditions. In summary, the available evidence is currently insufficient to determine the role of this variant in disease. Therefore, it has been classified as a Variant of Uncertain Significance.

NC_000011.9:g.(?_65633902)_(66115026_?)dup

Genes: DRAP1 (DR1 associated protein 1; plus strand), BRMS1 (BRMS1 transcriptional repressor and anoikis regulator; minus strand), YIF1A (Yip1 interacting factor homolog A, membrane trafficking protein; minus strand), FOSL1 (FOS like 1, AP-1 transcription factor subunit; minus strand), SART1 (spliceosome associated factor 1, recruiter of U4/U6.U5 tri-snRNP; plus strand) and 69 more. Cytogenetic location: 11q13.1-13.2.
Variant type: Duplication.
Identifiers: ClinVar variation 644273 (VCV000644273.2).